The following is an entry in ClinVar:

NM_015909.4(NBAS):c.1512A>G (p.Pro504=)

Gene: NBAS (NBAS subunit of NRZ tethering complex; minus strand). Cytogenetic location: 2p24.3.
Variant type: single nucleotide variant.
Coding change: c.1512A>G on transcript NM_015909.4 (MANE Select); coding-DNA position 1512, A replaced by G.
Protein change: p.Pro504=; no amino-acid change (proline 504 retained).
Molecular consequence: synonymous variant. On other transcripts: non-coding transcript variant (1).
Genome position (GRCh38, 1-based): chr2:15,474,154, T>C on the plus strand (A>G on the coding strand, the complement: NBAS is on the minus strand). VCF-style: chr2-15474154-T-C. GRCh37 (hg19) VCF-style: chr2-15614278-T-C.
Other names: c.1512A>G (NM_015909.3).
Identifiers: ClinVar variation 1550255 (VCV001550255.11), dbSNP rs149187532, ClinGen allele CA1536664.
Genomic context (GRCh38, chr2:15,474,154, plus strand): 5'-CGTGGAGCGCAAACTCACAAGGCGGTAGTTTTTAGTAATGGTTCGTGGGCGTTTCCGTGG[T>C]GGTGCAAATCGCTCCATTTCAGTCACCAAGTAAAGGCCCTGTTTTATATAACCAAAGTAG-3'
Protein context (NP_056993.2, residues 494-514): YLVTEMERFA[Pro504=]PRKRPRTITK

ClinVar aggregate classification (germline): Likely benign. Review status: criteria provided, multiple submitters, no conflicts (2 of 4 stars). 4 submissions from 4 submitters: Likely benign (4). Last evaluated 2026-03-03.

Conditions:
NBAS-related disorder. Also called: NBAS-related condition.

Allele frequency attached by ClinVar (database versions not stated): gnomAD 0.00039 and 0.00036; TOPMed 0.00046; 1000 Genomes Project 0.00080; 1000 Genomes Project 30x 0.00094; gnomAD exomes 0.00003 and 0.00012; ExAC 0.00011; ESP Exome Variant Server 0.00031.
gnomAD v4.1: 116 of 1,614,144 alleles (0.0072%); highest among the groups gnomAD compares: African/African-American, 0.11%; no homozygotes.

Submissions (4):

PreventionGenetics, part of Exact Sciences
Classification: Likely benign for NBAS-related condition. Last evaluated: 2026-03-03. Review status: criteria provided, single submitter. Criteria: ACMG Guidelines, 2015. Collection method: clinical testing. Allele origin: germline.
Comment: This variant is classified as likely benign based on ACMG/AMP sequence variant interpretation guidelines (Richards et al. 2015 PMID: 25741868, with internal and published modifications).

Labcorp Genetics (formerly Invitae), Labcorp
Classification: Likely benign. Last evaluated: 2026-01-25. Review status: criteria provided, single submitter. Criteria: Invitae Variant Classification Sherloc (09022015). Collection method: clinical testing. Allele origin: germline.

Blueprint Genetics
Classification: Likely benign. Last evaluated: 2024-10-02. Review status: criteria provided, single submitter. Criteria: ACMG Guidelines, 2015. Collection method: clinical testing. Allele origin: germline.

Breakthrough Genomics
Classification: Likely benign. Review status: criteria provided, single submitter. Criteria: ACMG Guidelines, 2015. Collection method: not provided. Allele origin: germline. Inheritance: Autosomal recessive inheritance. Affected: yes.